The following is an entry in ClinVar:

NM_000179.3(MSH6):c.4002-8del

Gene: MSH6 (mutS homolog 6; plus strand). Cytogenetic location: 2p16.3.
Variant type: Deletion.
Coding change: c.4002-8del on transcript NM_000179.3 (MANE Select); 8 bases into the intron before coding-DNA position 4002, one base deleted (A; older notation c.4002-8delA).
Molecular consequence: intron variant.
Genome position (GRCh38, 1-based): chr2:47,806,771, A deleted; the last of 2 consecutive A bases (chr2:47,806,770-47,806,771); deleting either gives the same sequence. VCF-style (leftmost placement, unchanged base first): chr2-47806769-TA-T. GRCh37 (hg19) VCF-style: chr2-48033908-TA-T.
Other names: c.3096-8del (NM_001281493.2, NM_001281494.2); c.3612-8del (NM_001281492.2); c.4002-8delA (NM_000179.2).
Identifiers: ClinVar variation 416170 (VCV000416170.14), dbSNP rs267608139, ClinGen allele CA1649510.

ClinVar aggregate classification (germline): Likely benign. Review status: criteria provided, multiple submitters, no conflicts (2 of 4 stars). 4 submissions from 4 submitters: Likely benign (4). Last evaluated 2026-02-04.

Conditions:
Hereditary nonpolyposis colorectal neoplasms. Identifiers: MedGen C0009405, MeSH D003123.
Hereditary cancer-predisposing syndrome. Also called: Tumor predisposition; Neoplastic Syndromes, Hereditary; Hereditary neoplastic syndrome; Hereditary Cancer Syndrome. Identifiers: Orphanet 140162, MedGen C0027672, MeSH D009386, MONDO:0015356.
Lynch syndrome. Identifiers: Orphanet 144, MedGen C4552100, MONDO:0005835. Disease mechanism: loss of function.
Lynch syndrome 5 (LYNCH5). Also called: Colorectal cancer, hereditary nonpolyposis, type 5; Hereditary non-polyposis colorectal cancer, type 5. Identifiers: Orphanet 144, MedGen C1833477, MONDO:0013710, OMIM 614350. Disease mechanism: loss of function.

Submissions (4):

Labcorp Genetics (formerly Invitae), Labcorp
Classification: Likely benign for Hereditary nonpolyposis colorectal neoplasms. Last evaluated: 2026-02-04. Review status: criteria provided, single submitter. Criteria: Invitae Variant Classification Sherloc (09022015). Collection method: clinical testing. Allele origin: germline.

Myriad Genetics, Inc.
Classification: Likely benign for Lynch syndrome 5. Last evaluated: 2025-01-09. Review status: criteria provided, single submitter. Criteria: Myriad Autosomal Dominant, Autosomal Recessive and X-Linked Classification Criteria (2023). Collection method: clinical testing. Allele origin: unknown.
Comment: This variant is considered likely benign. This variant is intronic and is not expected to impact mRNA splicing.

All of Us Research Program, National Institutes of Health
Classification: Likely benign for Lynch syndrome. Last evaluated: 2024-09-23. Review status: criteria provided, single submitter. Criteria: ACMG Guidelines, 2015. Collection method: clinical testing. Allele origin: germline. Inheritance: Autosomal dominant inheritance. Observed: 4 variant alleles, 4 heterozygotes.
Comment: This study involves interpretation of variants in research participants for the purpose of population health screening. Participant phenotype was not available at the time of variant classification. Additional details can be found in publication PMID: 35346344, PMCID: PMC8962531

Color Diagnostics, LLC DBA Color Health
Classification: Likely benign for Hereditary cancer-predisposing syndrome. Last evaluated: 2019-04-19. Review status: criteria provided, single submitter. Criteria: ACMG Guidelines, 2015. Collection method: clinical testing. Allele origin: germline.